The following is an entry in ClinVar:

NM_001367561.1(DOCK7):c.748C>T (p.Arg250Trp)

Gene: DOCK7 (dedicator of cytokinesis 7; minus strand). Cytogenetic location: 1p31.3.
Variant type: single nucleotide variant.
Coding change: c.748C>T on transcript NM_001367561.1 (MANE Select); coding-DNA position 748, C replaced by T.
Protein change: p.Arg250Trp; replaces arginine 250 with tryptophan.
Molecular consequence: missense variant.
Genome position (GRCh38, 1-based): chr1:62,647,761, G>A on the plus strand (C>T on the coding strand, the complement: DOCK7 is on the minus strand). VCF-style: chr1-62647761-G-A. GRCh37 (hg19) VCF-style: chr1-63113432-G-A.
Other names: c.748C>T, p.Arg250Trp (NM_001271999.2, NM_001272000.2, NM_001272001.2 and 3 more transcripts); short protein forms R250W.
Identifiers: ClinVar variation 541913 (VCV000541913.10), dbSNP rs373543179, ClinGen allele CA887122.

ClinVar aggregate classification (germline): Uncertain significance. Review status: criteria provided, multiple submitters, no conflicts (2 of 4 stars). 2 submissions from 2 submitters: Uncertain significance (2). Last evaluated 2024-04-20.

Conditions:
Developmental and epileptic encephalopathy, 23 (DEE23). Also called: Epileptic encephalopathy, early infantile, 23. Identifiers: Orphanet 411986, MedGen C4014492, MONDO:0014371, OMIM 615859.

Allele frequency attached by ClinVar (database versions not stated): ESP Exome Variant Server 0.00008; TOPMed 0.00001; gnomAD exomes 0.00001 and 0.00002; ExAC 0.00002.

Submissions (2):

GeneDx
Classification: Uncertain significance. Last evaluated: 2024-04-20. Review status: criteria provided, single submitter. Criteria: GeneDx Variant Classification Process June 2021. Collection method: clinical testing. Allele origin: germline. Affected: yes.
Comment: Not observed at significant frequency in large population cohorts (gnomAD); In silico analysis supports that this missense variant has a deleterious effect on protein structure/function; Has not been previously published as pathogenic or benign to our knowledge

Labcorp Genetics (formerly Invitae), Labcorp
Classification: Uncertain significance for Developmental and epileptic encephalopathy, 23. Last evaluated: 2021-12-20. Review status: criteria provided, single submitter. Criteria: Invitae Variant Classification Sherloc (09022015). Collection method: clinical testing. Allele origin: germline.
Comment: This sequence change replaces arginine, which is basic and polar, with tryptophan, which is neutral and slightly polar, at codon 250 of the DOCK7 protein (p.Arg250Trp). This variant is present in population databases (rs373543179, gnomAD 0.01%). This variant has not been reported in the literature in individuals affected with DOCK7-related conditions. ClinVar contains an entry for this variant (Variation ID: 541913). Algorithms developed to predict the effect of missense changes on protein structure and function are either unavailable or do not agree on the potential impact of this missense change (SIFT: "Deleterious"; PolyPhen-2: "Probably Damaging"; Align-GVGD: "Class C0"). In summary, the available evidence is currently insufficient to determine the role of this variant in disease. Therefore, it has been classified as a Variant of Uncertain Significance.